The following is an entry in ClinVar:

ClinVar aggregate classification (germline): Uncertain significance (1 of 4 stars; one submission).

Conditions:
Joubert syndrome. Also called: CEREBELLOPARENCHYMAL DISORDER IV; JOUBERT-BOLTSHAUSER SYNDROME; Familial aplasia of the vermis. Identifiers: Orphanet 475, MedGen C5979921, MONDO:0018772.

Allele frequency attached by ClinVar (database versions not stated): gnomAD exomes 0.00001.
gnomAD v4.1: 4 of 1,459,346 alleles (0.00027%); highest among the groups gnomAD compares: South Asian, 0.0054%; no homozygotes.

Submission:

Labcorp Genetics (formerly Invitae), Labcorp
Classification: Uncertain significance for Joubert syndrome. Last evaluated: 2025-04-16. Review status: criteria provided, single submitter. Criteria: Invitae Variant Classification Sherloc (09022015). Collection method: clinical testing. Allele origin: germline.
Comment: This sequence change replaces proline, which is neutral and non-polar, with leucine, which is neutral and non-polar, at codon 15 of the INPP5E protein (p.Pro15Leu). This variant is not present in population databases (gnomAD no frequency). This variant has not been reported in the literature in individuals affected with INPP5E-related conditions. ClinVar contains an entry for this variant (Variation ID: 1397889). Invitae Evidence Modeling of protein sequence and biophysical properties (such as structural, functional, and spatial information, amino acid conservation, physicochemical variation, residue mobility, and thermodynamic stability) has been performed for this missense variant. However, the output from this modeling did not meet the statistical confidence thresholds required to predict the impact of this variant on INPP5E protein function. In summary, the available evidence is currently insufficient to determine the role of this variant in disease. Therefore, it has been classified as a Variant of Uncertain Significance.

NM_019892.6(INPP5E):c.44C>T (p.Pro15Leu)

Gene: INPP5E (inositol polyphosphate-5-phosphatase E; minus strand). Cytogenetic location: 9q34.3.
Variant type: single nucleotide variant.
Coding change: c.44C>T on transcript NM_019892.6 (MANE Select); coding-DNA position 44, C replaced by T.
Protein change: p.Pro15Leu; replaces proline 15 with leucine.
Molecular consequence: missense variant.
Genome position (GRCh38, 1-based): chr9:136,439,376, G>A on the plus strand (C>T on the coding strand, the complement: INPP5E is on the minus strand). VCF-style: chr9-136439376-G-A. GRCh37 (hg19) VCF-style: chr9-139333828-G-A.
Other names: c.44C>T, p.Pro15Leu (NM_001318502.2); short protein forms P15L.
Identifiers: ClinVar variation 1397889 (VCV001397889.8), dbSNP rs2131620295, ClinGen allele CA375571869.